The following is an entry in ClinVar:

ClinVar aggregate classification (germline): Uncertain significance (1 of 4 stars; one submission).

Conditions:
Congenital disorder of glycosylation type 1E (CDG1E). Also called: CONGENITAL DISORDER OF GLYCOSYLATION, TYPE Ie; CDG Ie. Identifiers: Orphanet 79322, MedGen C1837396, MONDO:0012123, OMIM 608799.

Allele frequency attached by ClinVar (database versions not stated): TOPMed 0.00001; gnomAD 0.00002.
gnomAD v4.1: 4 of 1,613,838 alleles (0.00025%); highest among the groups gnomAD compares: African/African-American, 0.0053%; no homozygotes.

Submission:

Labcorp Genetics (formerly Invitae), Labcorp
Classification: Uncertain significance for Congenital disorder of glycosylation type 1E. Last evaluated: 2022-03-22. Review status: criteria provided, single submitter. Criteria: Invitae Variant Classification Sherloc (09022015). Collection method: clinical testing. Allele origin: germline.
Comment: In summary, the available evidence is currently insufficient to determine the role of this variant in disease. Therefore, it has been classified as a Variant of Uncertain Significance. Algorithms developed to predict the effect of missense changes on protein structure and function (SIFT, PolyPhen-2, Align-GVGD) all suggest that this variant is likely to be tolerated. This variant has not been reported in the literature in individuals affected with DPM1-related conditions. This variant is not present in population databases (gnomAD no frequency). This sequence change replaces leucine, which is neutral and non-polar, with phenylalanine, which is neutral and non-polar, at codon 159 of the DPM1 protein (p.Leu159Phe).

NM_003859.3(DPM1):c.477G>T (p.Leu159Phe)

Genes: ADNP-AS1 (ADNP antisense RNA 1; plus strand), DPM1 (dolichyl-phosphate mannosyltransferase subunit 1, catalytic; minus strand). Cytogenetic location: 20q13.13.
Variant type: single nucleotide variant.
Coding change: c.477G>T on transcript NM_003859.3 (MANE Select); coding-DNA position 477, G replaced by T.
Protein change: p.Leu159Phe; replaces leucine 159 with phenylalanine.
Molecular consequence: missense variant. On other transcripts: non-coding transcript variant (1).
Genome position (GRCh38, 1-based): chr20:50,942,048, C>A on the plus strand (G>T on the coding strand, the complement: DPM1 is on the minus strand). VCF-style: chr20-50942048-C-A. GRCh37 (hg19) VCF-style: chr20-49558585-C-A.
Other names: c.477G>T, p.Leu159Phe (NM_001317034.1, NM_001317035.1, NM_001317036.1); short protein forms L159F.
Identifiers: ClinVar variation 2150725 (VCV002150725.2), dbSNP rs1470781231, ClinGen allele CA408989161.